The following is an entry in ClinVar:

ClinVar aggregate classification (germline): Likely benign. Review status: criteria provided, multiple submitters, no conflicts (2 of 4 stars). 4 submissions from 4 submitters: Likely benign (4). Last evaluated 2025-07-15.

Conditions:
Walker-Warburg congenital muscular dystrophy. Also called: Muscular dystrophy-dystroglycanopathy, type A; Walker-Warburg syndrome. Identifiers: Orphanet 899, MedGen C0265221, MONDO:0000171.
Cardiovascular phenotype. Identifiers: MedGen CN230736.

gnomAD v4.1: 7 of 1,569,470 alleles (0.00045%); highest among the groups gnomAD compares: Middle Eastern, 0.034%; no homozygotes.

Submissions (4):

Labcorp Genetics (formerly Invitae), Labcorp
Classification: Likely benign for Walker-Warburg congenital muscular dystrophy. Last evaluated: 2025-07-15. Review status: criteria provided, single submitter. Criteria: Invitae Variant Classification Sherloc (09022015). Collection method: clinical testing. Allele origin: germline.

Ambry Genetics
Classification: Likely benign for Cardiovascular phenotype. Last evaluated: 2022-12-06. Review status: criteria provided, single submitter. Criteria: Ambry Variant Classification Scheme 2023. Collection method: clinical testing. Allele origin: germline.

ARUP Laboratories, Molecular Genetics and Genomics, ARUP Laboratories
Classification: Likely benign. Last evaluated: 2020-02-27. Review status: criteria provided, single submitter. Criteria: ARUP Molecular Germline Variant Investigation Process. Collection method: clinical testing. Allele origin: germline.

GeneDx
Classification: Likely benign. Last evaluated: 2017-02-28. Review status: criteria provided, single submitter. Criteria: GeneDx Variant Classification (06012015). Collection method: clinical testing. Allele origin: germline. Affected: yes.
Comment: This variant is considered likely benign or benign based on one or more of the following criteria: it is a conservative change, it occurs at a poorly conserved position in the protein, it is predicted to be benign by multiple in silico algorithms, and/or has population frequency not consistent with disease.

NM_024301.5(FKRP):c.948C>T (p.Pro316=)

Gene: FKRP (fukutin related protein; plus strand). Cytogenetic location: 19q13.32.
Variant type: single nucleotide variant.
Coding change: c.948C>T on transcript NM_024301.5 (MANE Select); coding-DNA position 948, C replaced by T.
Protein change: p.Pro316=; no amino-acid change (proline 316 retained).
Molecular consequence: synonymous variant.
Genome position (GRCh38, 1-based): chr19:46,756,398, C>T. VCF-style: chr19-46756398-C-T. GRCh37 (hg19) VCF-style: chr19-47259655-C-T.
Other names: c.948C>T, p.Pro316= (NM_001039885.3).
Identifiers: ClinVar variation 507664 (VCV000507664.20), dbSNP rs945877846, ClinGen allele CA507976441.